The following is an entry in ClinVar:

ClinVar aggregate classification (germline): Benign. Review status: criteria provided, multiple submitters, no conflicts (2 of 4 stars). 4 submissions from 4 submitters: Benign (4). Last evaluated 2025-03-04.

Conditions:
Hereditary diffuse gastric adenocarcinoma (HDGC). Also called: DIFFUSE GASTRIC AND LOBULAR BREAST CANCER SYNDROME. Identifiers: Orphanet 26106, MedGen C1708349, MONDO:0007648, OMIM 137215.

Allele frequency attached by ClinVar (database versions not stated): gnomAD exomes 0.00120 and 0.00324; ExAC 0.00406; gnomAD 0.01329 and 0.01435; 1000 Genomes Project 0.01358; 1000 Genomes Project 30x 0.01483; TOPMed 0.01544; ESP Exome Variant Server 0.01647.
gnomAD v4.1: 3,818 of 1,600,602 alleles (0.24%); highest among the groups gnomAD compares: African/African-American, 4.7%; 96 homozygotes.

Submissions (4):

Center for Genomic Medicine, Rigshospitalet, Copenhagen University Hospital
Classification: Benign. Last evaluated: 2025-03-04. Review status: criteria provided, single submitter. Criteria: ACMG Guidelines, 2015. Collection method: clinical testing. Allele origin: germline.

European Reference Network on Genetic Tumour Risk Syndromes (ERN-GENTURIS), i3s - Instituto de Investigação e Inovação em Saúde, University of Porto
Classification: Benign for Hereditary diffuse gastric adenocarcinoma. Last evaluated: 2022-08-01. Review status: criteria provided, single submitter. Criteria: Lee et al. (Hum Mutat. 2018). Collection method: clinical testing. Allele origin: germline. Inheritance: Autosomal dominant inheritance. Affected: no. Study: ERN GENTURIS.
Comment: BA1 (PMID: 30311375)

GeneDx
Classification: Benign. Last evaluated: 2015-03-03. Review status: criteria provided, single submitter. Criteria: GeneDx Variant Classification Process June 2021. Collection method: clinical testing. Allele origin: germline. Affected: yes.

Breakthrough Genomics
Classification: Benign. Review status: criteria provided, single submitter. Criteria: ACMG Guidelines, 2015. Collection method: not provided. Allele origin: germline. Inheritance: Autosomal dominant inheritance. Affected: yes.

Literature cited by the submitters: PubMed 36436516 (cited by European Reference Network on Genetic Tumour Risk Syndromes (ERN-GENTURIS), i3s - Instituto de Investigação e Inovação em Saúde, University of Porto).

NM_004360.5(CDH1):c.1008+47T>C

Gene: CDH1 (cadherin 1; plus strand). Cytogenetic location: 16q22.1.
Variant type: single nucleotide variant.
Coding change: c.1008+47T>C on transcript NM_004360.5 (MANE Select); 47 bases into the intron after coding-DNA position 1008, T replaced by C.
Molecular consequence: intron variant.
Genome position (GRCh38, 1-based): chr16:68,811,906, T>C. VCF-style: chr16-68811906-T-C. GRCh37 (hg19) VCF-style: chr16-68845809-T-C.
Other names: c.-608+47T>C (NM_001317185.2); c.-812+47T>C (NM_001317186.2); c.1008+47T>C (NM_001317184.2, NM_004360.4).
Identifiers: ClinVar variation 1279807 (VCV001279807.10), dbSNP rs34374107, ClinGen allele CA8129971.